The following is an entry in ClinVar:

NM_000059.4(BRCA2):c.3958G>A (p.Glu1320Lys)

Gene: BRCA2 (BRCA2 DNA repair associated; plus strand). Cytogenetic location: 13q13.1.
Variant type: single nucleotide variant.
Coding change: c.3958G>A on transcript NM_000059.4 (MANE Select); coding-DNA position 3958, G replaced by A.
Protein change: p.Glu1320Lys; replaces glutamic acid 1320 with lysine.
Molecular consequence: missense variant.
Genome position (GRCh38, 1-based): chr13:32,338,313, G>A. VCF-style: chr13-32338313-G-A. GRCh37 (hg19) VCF-style: chr13-32912450-G-A.
Other names: short protein forms E1320K.
Identifiers: ClinVar variation 236859 (VCV000236859.16), dbSNP rs80358644, ClinGen allele CA10583097.

ClinVar aggregate classification (germline): Conflicting classifications of pathogenicity. Review status: criteria provided, conflicting classifications (1 of 4 stars). 4 submissions from 4 submitters: Uncertain significance (3); Likely benign (1). Last evaluated 2023-03-23.

Conditions:
Hereditary cancer-predisposing syndrome. Also called: Hereditary neoplastic syndrome; Hereditary Cancer Syndrome; Neoplastic Syndromes, Hereditary; Tumor predisposition. Identifiers: Orphanet 140162, MedGen C0027672, MeSH D009386, MONDO:0015356.
Hereditary breast ovarian cancer syndrome. Also called: BRCA1- and BRCA2-Associated Hereditary Breast and Ovarian Cancer; Hereditary breast and ovarian cancer syndrome; Hereditary breast and ovarian cancer; Hereditary breast and ovarian cancer syndrome (HBOC); Breast and ovarian cancer; Hereditary breast and/or ovarian cancer syndrome. Identifiers: Orphanet 145, MedGen C0677776, MeSH D061325, MONDO:0003582. Disease mechanism: loss of function.

Submissions (4):

University of Washington Department of Laboratory Medicine, University of Washington
Classification: Likely benign for Hereditary cancer-predisposing syndrome. Last evaluated: 2023-03-23. Review status: criteria provided, single submitter. Criteria: Dines et al. (Genet Med. 2020). Collection method: curation. Allele origin: germline.
Comment: Missense variant in a coldspot region where missense variants are very unlikely to be pathogenic (PMID:31911673).

BRCA2 exon 11 coldspot. Reclassification based on statistical prior probability.

Color Diagnostics, LLC DBA Color Health
Classification: Uncertain significance for Hereditary cancer-predisposing syndrome. Last evaluated: 2022-01-25. Review status: criteria provided, single submitter. Criteria: ACMG Guidelines, 2015. Collection method: clinical testing. Allele origin: germline.
Comment: This missense variant replaces glutamic acid with lysine at codon 1320 of the BRCA2 protein. Computational prediction suggests that this variant may not impact protein structure and function (internally defined REVEL score threshold <= 0.5, PMID: 27666373). To our knowledge, functional studies have not been reported for this variant. This variant has not been reported in individuals affected with hereditary cancer in the literature. This variant has not been identified in the general population by the Genome Aggregation Database (gnomAD). The available evidence is insufficient to determine the role of this variant in disease conclusively. Therefore, this variant is classified as a Variant of Uncertain Significance.

Ambry Genetics
Classification: Uncertain significance for Hereditary cancer-predisposing syndrome. Last evaluated: 2021-07-06. Review status: criteria provided, single submitter. Criteria: Ambry Variant Classification Scheme 2023. Collection method: clinical testing. Allele origin: germline.
Comment: The p.E1320K variant (also known as c.3958G>A), located in coding exon 10 of the BRCA2 gene, results from a G to A substitution at nucleotide position 3958. The glutamic acid at codon 1320 is replaced by lysine, an amino acid with similar properties. This amino acid position is poorly conserved in available vertebrate species. In addition, this alteration is predicted to be tolerated by in silico analysis. Since supporting evidence is limited at this time, the clinical significance of this alteration remains unclear.

Labcorp Genetics (formerly Invitae), Labcorp
Classification: Uncertain significance for Hereditary breast ovarian cancer syndrome. Last evaluated: 2016-03-08. Review status: criteria provided, single submitter. Criteria: Invitae Variant Classification Sherloc (09022015). Collection method: clinical testing. Allele origin: germline.
Comment: This sequence change replaces glutamic acid with lysine at codon 1320 of the BRCA2 protein (p.Glu1320Lys). The glutamic acid residue is weakly conserved and there is a small physicochemical difference between glutamic acid and lysine. This variant is not present in population databases (ExAC no frequency) and has not been reported in the literature in individuals with a BRCA2-related disease. Algorithms developed to predict the effect of missense changes on protein structure and function (SIFT, PolyPhen-2, Align-GVGD) all suggest that this variant is likely to be tolerated, but these predictions have not been confirmed by published functional studies. In summary, this variant is a novel missense change that is not predicted to affect protein function. There is no indication that it causes disease, but the available evidence is currently insufficient to prove that conclusively. Therefore, it has been classified as a Variant of Uncertain Significance.